The following is an entry in ClinVar:

ClinVar aggregate classification (germline): Uncertain significance. Review status: criteria provided, multiple submitters, no conflicts (2 of 4 stars). 2 submissions from 2 submitters: Uncertain significance (2). Last evaluated 2024-03-25.

Conditions:
Autosomal dominant wooly hair. Also called: Autosomal dominant woolly hair. Identifiers: Orphanet 170, MedGen C1860238, MONDO:0020717, OMIM 194300.

Allele frequency attached by ClinVar (database versions not stated): gnomAD exomes 0.00005; ExAC 0.00010; ESP Exome Variant Server 0.00015; gnomAD 0.00003; TOPMed 0.00003.
gnomAD v4.1: 74 of 1,614,110 alleles (0.0046%); highest among the groups gnomAD compares: Middle Eastern, 0.033%; no homozygotes.

Submissions (2):

Genomic Medicine Center of Excellence, King Faisal Specialist Hospital and Research Centre
Classification: Uncertain significance for Autosomal dominant wooly hair. Last evaluated: 2024-03-25. Review status: criteria provided, single submitter. Criteria: ACMG Guidelines, 2015. Collection method: clinical testing. Allele origin: germline.

Labcorp Genetics (formerly Invitae), Labcorp
Classification: Uncertain significance. Last evaluated: 2023-10-03. Review status: criteria provided, single submitter. Criteria: Invitae Variant Classification Sherloc (09022015). Collection method: clinical testing. Allele origin: germline.
Comment: This sequence change replaces alanine, which is neutral and non-polar, with threonine, which is neutral and polar, at codon 410 of the KRT74 protein (p.Ala410Thr). This variant is present in population databases (rs145453727, gnomAD 0.01%). This variant has not been reported in the literature in individuals affected with KRT74-related conditions. ClinVar contains an entry for this variant (Variation ID: 2162061). Advanced modeling of protein sequence and biophysical properties (such as structural, functional, and spatial information, amino acid conservation, physicochemical variation, residue mobility, and thermodynamic stability) performed at Invitae indicates that this missense variant is not expected to disrupt KRT74 protein function. In summary, the available evidence is currently insufficient to determine the role of this variant in disease. Therefore, it has been classified as a Variant of Uncertain Significance.

NM_175053.4(KRT74):c.1228G>A (p.Ala410Thr)

Gene: KRT74 (keratin 74; minus strand). Cytogenetic location: 12q13.13.
Variant type: single nucleotide variant.
Coding change: c.1228G>A on transcript NM_175053.4 (MANE Select); coding-DNA position 1228, G replaced by A.
Protein change: p.Ala410Thr; replaces alanine 410 with threonine.
Molecular consequence: missense variant.
Genome position (GRCh38, 1-based): chr12:52,568,296, C>T on the plus strand (G>A on the coding strand, the complement: KRT74 is on the minus strand). VCF-style: chr12-52568296-C-T. GRCh37 (hg19) VCF-style: chr12-52962080-C-T.
Other names: c.1228G>A (NM_175053.3); short protein forms A410T.
Identifiers: ClinVar variation 2162061 (VCV002162061.5), dbSNP rs145453727, ClinGen allele CA6583726.